The following is an entry in ClinVar:

ClinVar aggregate classification (germline): Uncertain significance (1 of 4 stars; one submission).

Conditions:
Incidental Discovery. Identifiers: MedGen C1135954.

Submission:

Clinical Genetics Laboratory, Skane University Hospital Lund
Classification: Uncertain significance for Incidental Discovery. Last evaluated: 2025-05-16. Review status: criteria provided, single submitter. Criteria: ACMG Guidelines, 2015. Collection method: clinical testing. Allele origin: de novo.
Comment: ACMG criteria used: PVS1_moderate (Variant removes <10% of protein, PMID: 30192042), PM2. No de novo criteria was applied since this was an incidental finding with no overlap with the patient's phenotype.

NM_001318852.2(MAPK8IP3):c.2940-2A>G

Gene: MAPK8IP3 (mitogen-activated protein kinase 8 interacting protein 3; plus strand). Cytogenetic location: 16p13.3.
Variant type: single nucleotide variant.
Coding change: c.2940-2A>G on transcript NM_001318852.2 (MANE Select); the canonical splice acceptor site of the intron before coding-DNA position 2940, A replaced by G.
Molecular consequence: splice acceptor variant.
Genome position (GRCh38, 1-based): chr16:1,766,721, A>G. VCF-style: chr16-1766721-A-G. GRCh37 (hg19) VCF-style: chr16-1816722-A-G.
Other names: c.2937-2A>G (NM_015133.5); c.2919-2A>G (NM_001040439.2).
Identifiers: ClinVar variation 3899302 (VCV003899302.1).